The following is an entry in ClinVar:

NM_006432.5(NPC2):c.190+14G>A

Gene: NPC2 (NPC intracellular cholesterol transporter 2; minus strand). Cytogenetic location: 14q24.3.
Variant type: single nucleotide variant.
Coding change: c.190+14G>A on transcript NM_006432.5 (MANE Select); 14 bases into the intron after coding-DNA position 190, G replaced by A.
Molecular consequence: intron variant.
Genome position (GRCh38, 1-based): chr14:74,486,315, C>T on the plus strand (G>A on the coding strand, the complement: NPC2 is on the minus strand). VCF-style: chr14-74486315-C-T. GRCh37 (hg19) VCF-style: chr14-74953018-C-T.
Other names: c.190+14G>A (NM_001363688.1, NM_001375440.1).
Identifiers: ClinVar variation 259982 (VCV000259982.22), dbSNP rs189666920, ClinGen allele CA7268180.

ClinVar aggregate classification (germline): Benign/Likely benign. Review status: criteria provided, multiple submitters, no conflicts (2 of 4 stars). 7 submissions from 7 submitters: Benign (2); Likely benign (3). 2 of the submissions do not count toward it. Last evaluated 2026-02-04.

Conditions:
Niemann-Pick disease, type C2 (NPC2). Identifiers: Orphanet 646, MedGen C1843366, MONDO:0011873, OMIM 607625.
Niemann-Pick disease, type C1. Also called: NIEMANN-PICK DISEASE, VARIANT TYPE C1; NEUROVISCERAL STORAGE DISEASE WITH VERTICAL SUPRANUCLEAR OPHTHALMOPLEGIA; NIEMANN-PICK DISEASE WITH CHOLESTEROL ESTERIFICATION BLOCK; NIEMANN-PICK DISEASE WITHOUT SPHINGOMYELINASE DEFICIENCY; NIEMANN-PICK DISEASE, CHRONIC NEURONOPATHIC FORM. Identifiers: Orphanet 646, MedGen C3179455, MONDO:0009757, OMIM 257220.

Allele frequency attached by ClinVar (database versions not stated): ESP Exome Variant Server 0.00269; TOPMed 0.00276; 1000 Genomes Project 0.00280; 1000 Genomes Project 30x 0.00297; gnomAD exomes 0.00476; ExAC 0.01078.
gnomAD v4.1: 6,951 of 1,571,414 alleles (0.44%); highest among the groups gnomAD compares: South Asian, 1.3%; 43 homozygotes.

Submissions (8):

Labcorp Genetics (formerly Invitae), Labcorp
Classification: Benign for Niemann-Pick disease, type C2. Last evaluated: 2026-02-04. Review status: criteria provided, single submitter. Criteria: Invitae Variant Classification Sherloc (09022015). Collection method: clinical testing. Allele origin: germline.

GeneDx
Classification: Likely benign. Last evaluated: 2018-10-02. Review status: criteria provided, single submitter. Criteria: GeneDx Variant Classification Process June 2021. Collection method: clinical testing. Allele origin: germline. Affected: yes.

Illumina Laboratory Services, Illumina
Classification: Benign for Niemann-Pick disease type C1. Last evaluated: 2018-01-13. Review status: criteria provided, single submitter. Criteria: ICSL Variant Classification Criteria 13 December 2019. Collection method: clinical testing. Allele origin: germline.
Comment: This variant was observed in the ICSL laboratory as part of a predisposition screen in an ostensibly healthy population. It had not been previously curated by ICSL or reported in the Human Gene Mutation Database (HGMD: prior to June 1st, 2018), and was therefore a candidate for classification through an automated scoring system. Utilizing variant allele frequency, disease prevalence and penetrance estimates, and inheritance mode, an automated score was calculated to assess if this variant is too frequent to cause the disease. Based on the score and internal cut-off values, a variant classified as benign is not then subjected to further curation. The score for this variant resulted in a classification of benign for this disease.

Breakthrough Genomics
Classification: Likely benign. Review status: criteria provided, single submitter. Criteria: ACMG Guidelines, 2015. Collection method: not provided. Allele origin: germline. Inheritance: Autosomal recessive inheritance. Affected: yes.

PreventionGenetics, part of Exact Sciences
Classification: Likely benign. Review status: criteria provided, single submitter. Criteria: ACMG Guidelines, 2015. Collection method: clinical testing. Allele origin: germline.

Diagnostic Laboratory, Department of Genetics, University Medical Center Groningen
Classification: Likely benign. Review status: no assertion criteria provided. Collection method: clinical testing. Allele origin: germline. Affected: yes. Study: VKGL Data-share Consensus. Not counted in ClinVar's aggregate classification.

Dr. Peter K. Rogan Lab, Western University
No classification provided (evidence only). Condition: Malignant tumor of esophagus. Review status: no classification provided. Collection method: in vitro. Allele origin: not applicable. Functional consequence: cryptic splice site. Not counted in ClinVar's aggregate classification.

Genome Diagnostics Laboratory, Amsterdam University Medical Center
Classification: Likely benign. Review status: no assertion criteria provided. Collection method: clinical testing. Allele origin: germline. Affected: yes. Study: VKGL Data-share Consensus. Not counted in ClinVar's aggregate classification.